The following is an entry in ClinVar:

NM_001378454.1(ALMS1):c.8849C>A (p.Pro2950His)

Gene: ALMS1 (ALMS1 centrosome and basal body associated protein; plus strand). Cytogenetic location: 2p13.1.
Variant type: single nucleotide variant.
Coding change: c.8849C>A on transcript NM_001378454.1 (MANE Select); coding-DNA position 8849, C replaced by A.
Protein change: p.Pro2950His; replaces proline 2950 with histidine.
Molecular consequence: missense variant.
Genome position (GRCh38, 1-based): chr2:73,490,808, C>A. VCF-style: chr2-73490808-C-A. GRCh37 (hg19) VCF-style: chr2-73717935-C-A.
Other names: c.8852C>A, p.Pro2951His (NM_015120.4); short protein forms P2950H, P2951H.
Identifiers: ClinVar variation 1501332 (VCV001501332.4), dbSNP rs777913623, ClinGen allele CA50379538.

ClinVar aggregate classification (germline): Uncertain significance (1 of 4 stars; one submission).

Conditions:
Alstrom syndrome (ALMS). Identifiers: Orphanet 64, MedGen C0268425, MONDO:0008763, OMIM 203800.

Allele frequency attached by ClinVar (database versions not stated): gnomAD 0.00001.
gnomAD v4.1: 3 of 1,613,934 alleles (0.00019%); highest among the groups gnomAD compares: Non-Finnish European, 0.00025%; no homozygotes.

Submission:

Labcorp Genetics (formerly Invitae), Labcorp
Classification: Uncertain significance for Alstrom syndrome. Last evaluated: 2023-09-17. Review status: criteria provided, single submitter. Criteria: Invitae Variant Classification Sherloc (09022015). Collection method: clinical testing. Allele origin: germline.
Comment: This sequence change replaces proline, which is neutral and non-polar, with histidine, which is basic and polar, at codon 2951 of the ALMS1 protein (p.Pro2951His). This variant is not present in population databases (gnomAD no frequency). This variant has not been reported in the literature in individuals affected with ALMS1-related conditions. ClinVar contains an entry for this variant (Variation ID: 1501332). Experimental studies and prediction algorithms are not available or were not evaluated, and the functional significance of this variant is currently unknown. In summary, the available evidence is currently insufficient to determine the role of this variant in disease. Therefore, it has been classified as a Variant of Uncertain Significance.